The following is an entry in ClinVar:

NM_001364905.1(LRBA):c.6457A>G (p.Met2153Val)

Gene: LRBA (LPS responsive beige-like anchor protein; minus strand). Cytogenetic location: 4q31.3.
Variant type: single nucleotide variant.
Coding change: c.6457A>G on transcript NM_001364905.1 (MANE Select); coding-DNA position 6457, A replaced by G.
Protein change: p.Met2153Val; replaces methionine 2153 with valine.
Molecular consequence: missense variant.
Genome position (GRCh38, 1-based): chr4:150,487,826, T>C on the plus strand (A>G on the coding strand, the complement: LRBA is on the minus strand). VCF-style: chr4-150487826-T-C. GRCh37 (hg19) VCF-style: chr4-151408978-T-C.
Other names: c.6457A>G, p.Met2153Val (NM_001199282.3, NM_001367550.1); c.6490A>G, p.Met2164Val (NM_006726.5); short protein forms M2164V, M2153V.
Identifiers: ClinVar variation 1442536 (VCV001442536.8), dbSNP rs761277052, ClinGen allele CA3101919.

ClinVar aggregate classification (germline): Uncertain significance. Review status: criteria provided, multiple submitters, no conflicts (2 of 4 stars). 2 submissions from 2 submitters: Uncertain significance (2). Last evaluated 2025-08-25.

Conditions:
Inborn genetic diseases. Identifiers: MedGen C0950123, MeSH D030342.
Combined immunodeficiency due to LRBA deficiency. Also called: Common variable immunodeficiency 8, with autoimmunity. Identifiers: Orphanet 445018, MedGen C3553512, MONDO:0013863, OMIM 614700.

Allele frequency attached by ClinVar (database versions not stated): ExAC 0.00001; gnomAD 0.00002.
gnomAD v4.1: 8 of 1,569,660 alleles (0.00051%); highest among the groups gnomAD compares: Non-Finnish European, 0.0007%; no homozygotes.

Submissions (2):

Ambry Genetics
Classification: Uncertain significance for Inborn genetic diseases. Last evaluated: 2025-08-25. Review status: criteria provided, single submitter. Criteria: Ambry Variant Classification Scheme 2023. Collection method: clinical testing. Allele origin: germline.

Labcorp Genetics (formerly Invitae), Labcorp
Classification: Uncertain significance for Combined immunodeficiency due to LRBA deficiency. Last evaluated: 2024-12-31. Review status: criteria provided, single submitter. Criteria: Invitae Variant Classification Sherloc (09022015). Collection method: clinical testing. Allele origin: germline.
Comment: This sequence change replaces methionine, which is neutral and non-polar, with valine, which is neutral and non-polar, at codon 2164 of the LRBA protein (p.Met2164Val). This variant is present in population databases (rs761277052, gnomAD 0.002%). This variant has not been reported in the literature in individuals affected with LRBA-related conditions. ClinVar contains an entry for this variant (Variation ID: 1442536). Invitae Evidence Modeling of protein sequence and biophysical properties (such as structural, functional, and spatial information, amino acid conservation, physicochemical variation, residue mobility, and thermodynamic stability) indicates that this missense variant is expected to disrupt LRBA protein function with a positive predictive value of 80%. In summary, the available evidence is currently insufficient to determine the role of this variant in disease. Therefore, it has been classified as a Variant of Uncertain Significance.